The following is an entry in ClinVar:

NM_005422.4(TECTA):c.4549T>C (p.Cys1517Arg)

Genes: TBCEL-TECTA (TBCEL-TECTA readthrough; plus strand), TECTA (tectorin alpha; plus strand). Cytogenetic location: 11q23.3.
Variant type: single nucleotide variant.
Coding change: c.4549T>C on transcript NM_005422.4 (MANE Select); coding-DNA position 4549, T replaced by C.
Protein change: p.Cys1517Arg; replaces cysteine 1517 with arginine.
Molecular consequence: missense variant.
Genome position (GRCh38, 1-based): chr11:121,158,084, T>C. VCF-style: chr11-121158084-T-C. GRCh37 (hg19) VCF-style: chr11-121028793-T-C.
Other names: c.5506T>C, p.Cys1836Arg (NM_001378761.1); short protein forms C1517R, C1836R.
Identifiers: ClinVar variation 2412831 (VCV002412831.5), dbSNP rs2496973735, ClinGen allele CA383027447.

ClinVar aggregate classification (germline): Pathogenic/Likely pathogenic. Review status: criteria provided, multiple submitters, no conflicts (2 of 4 stars). 2 submissions from 2 submitters: Pathogenic (1); Likely pathogenic (1). Last evaluated 2023-11-08.

Conditions:
Autosomal dominant nonsyndromic hearing loss 12. Also called: DEAFNESS, AUTOSOMAL DOMINANT 8. Identifiers: Orphanet 90635, MedGen C1832187, MONDO:0011102, OMIM 601543.

Submissions (2):

GeneDx
Classification: Likely pathogenic. Last evaluated: 2023-11-08. Review status: criteria provided, single submitter. Criteria: GeneDx Variant Classification Process June 2021. Collection method: clinical testing. Allele origin: germline.
Comment: Not observed at significant frequency in large population cohorts (gnomAD); In silico analysis supports that this missense variant has a deleterious effect on protein structure/function; This variant is associated with the following publications: (PMID: 21520338, 31554319, 9590290)

Clinical Genetics Service, Universitary Hospital 12 de Octubre
Classification: Pathogenic for Autosomal dominant nonsyndromic hearing loss 12. Review status: criteria provided, single submitter. Criteria: ACMG Guidelines, 2015. Collection method: clinical testing. Allele origin: germline. Affected: yes.